The following is an entry in ClinVar:

NM_000292.3(PHKA2):c.286-10del

Gene: PHKA2 (phosphorylase kinase regulatory subunit alpha 2; minus strand). Cytogenetic location: Xp22.13.
Variant type: Deletion.
Coding change: c.286-10del on transcript NM_000292.3 (MANE Select); 10 bases into the intron before coding-DNA position 286, one base deleted (T; older notation c.286-10delT).
Molecular consequence: intron variant.
Genome position (GRCh38, 1-based): chrX:18,951,282, A deleted on the plus strand (T on the coding strand, the reverse complement: PHKA2 is on the minus strand); the first of 2 consecutive A bases (chrX:18,951,282-18,951,283); deleting either gives the same sequence. VCF-style (leftmost placement, unchanged base first): chrX-18951281-GA-G. GRCh37 (hg19) VCF-style: chrX-18969399-GA-G.
Identifiers: ClinVar variation 1478513 (VCV001478513.6), dbSNP rs766261786, ClinGen allele CA10362131.

ClinVar aggregate classification (germline): Uncertain significance (1 of 4 stars; one submission).

Conditions:
Glycogen storage disease IXa1. Also called: GLYCOGEN STORAGE DISEASE VIII; GSD VIII; LIVER GLYCOGENOSIS, X-LINKED, TYPE I; Glycogen storage disease 8. Identifiers: Orphanet 264580, MedGen C3694531, MONDO:0010598, OMIM 306000.

Submission:

Labcorp Genetics (formerly Invitae), Labcorp
Classification: Uncertain significance for Glycogen storage disease IXa1. Last evaluated: 2023-11-07. Review status: criteria provided, single submitter. Criteria: Invitae Variant Classification Sherloc (09022015). Collection method: clinical testing. Allele origin: germline.
Comment: This sequence change falls in intron 3 of the PHKA2 gene. It does not directly change the encoded amino acid sequence of the PHKA2 protein. This variant is present in population databases (rs766261786, gnomAD 0.04%). This variant has not been reported in the literature in individuals affected with PHKA2-related conditions. ClinVar contains an entry for this variant (Variation ID: 1478513). Algorithms developed to predict the effect of sequence changes on RNA splicing suggest that this variant is not likely to affect RNA splicing. In summary, the available evidence is currently insufficient to determine the role of this variant in disease. Therefore, it has been classified as a Variant of Uncertain Significance.